The following is an entry in ClinVar:

ClinVar aggregate classification (germline): Likely pathogenic (1 of 4 stars; one submission).

Conditions:
Cockayne syndrome type 1. Also called: Cockayne syndrome type I; Cockayne syndrome classical; Cockayne syndrome classic form. Identifiers: Orphanet 191, Orphanet 90321, MedGen C0751039, MONDO:0019569, OMIM 216400.

Submission:

Myriad Genetics, Inc.
Classification: Likely pathogenic for Cockayne syndrome type 1. Last evaluated: 2022-01-02. Review status: criteria provided, single submitter. Criteria: Myriad Women's Health Autosomal Recessive and X-Linked Classification Criteria (2021). Collection method: clinical testing. Allele origin: unknown.
Comment: NM_000082.3(ERCC8):c.592delT(Y198Mfs*14) is expected to be pathogenic in the context of ERCC8-related disorders. This variant is predicted to lead to an abnormal or absent protein product due to the creation of a premature termination codon in ERCC8, a gene where loss-of-function variants are known to be pathogenic. Please note: this variant was assessed in the context of healthy population screening.

NM_000082.4(ERCC8):c.592del (p.Tyr198fs)

Gene: ERCC8 (ERCC excision repair 8, CSA ubiquitin ligase complex subunit; minus strand). Cytogenetic location: 5q12.1.
Variant type: Deletion.
Coding change: c.592del on transcript NM_000082.4 (MANE Select); coding-DNA position 592, one base deleted (T; older notation c.592delT).
Protein change: p.Tyr198fs; shifts the reading frame from tyrosine 198.
Molecular consequence: frameshift variant.
Genome position (GRCh38, 1-based): chr5:60,902,467, A deleted on the plus strand (T on the coding strand, the reverse complement: ERCC8 is on the minus strand); the first of 2 consecutive A bases (chr5:60,902,467-60,902,468); deleting either gives the same sequence. VCF-style (leftmost placement, unchanged base first): chr5-60902466-TA-T. GRCh37 (hg19) VCF-style: chr5-60198293-TA-T.
Other names: c.418del, p.Tyr140fs (NM_001007233.3); c.133del, p.Tyr45fs (NM_001290285.2); short protein forms Y140fs, Y198fs, Y45fs.
Identifiers: ClinVar variation 1726886 (VCV001726886.2), dbSNP rs2531795414, ClinGen allele CA2580073344.